The following is an entry in ClinVar:

NM_001013838.3(CARMIL2):c.3764C>T (p.Thr1255Met)

Gene: CARMIL2 (capping protein regulator and myosin 1 linker 2; plus strand). Cytogenetic location: 16q22.1.
Variant type: single nucleotide variant.
Coding change: c.3764C>T on transcript NM_001013838.3 (MANE Select); coding-DNA position 3764, C replaced by T.
Protein change: p.Thr1255Met; replaces threonine 1255 with methionine.
Molecular consequence: missense variant.
Genome position (GRCh38, 1-based): chr16:67,656,249, C>T. VCF-style: chr16-67656249-C-T. GRCh37 (hg19) VCF-style: chr16-67690152-C-T.
Other names: c.3656C>T, p.Thr1219Met (NM_001317026.3); short protein forms T1219M, T1255M.
Identifiers: ClinVar variation 1483745 (VCV001483745.8), dbSNP rs1409841848, ClinGen allele CA396347357.
Genomic context (GRCh38, chr16:67,656,249, plus strand): 5'-CCAAGGTCTGGTACCTGAGTCCCCAGCTCCGCCTTGCAGGTGACATTATGGACAGTTCCA[C>T]GGAGGCCCCTCCCATCTCGATCAAGTCCCGCACCCACTCTGTGTCTGCTGGTGAGTGAGG-3'
Protein context (NP_001013860.1, residues 1245-1265): GSDGDIMDSS[Thr1255Met]EAPPISIKSR

ClinVar aggregate classification (germline): Uncertain significance (1 of 4 stars; one submission).

Allele frequency attached by ClinVar (database versions not stated): gnomAD exomes below 0.00001; TOPMed below 0.00001; gnomAD 0.00001.

Submission:

Labcorp Genetics (formerly Invitae), Labcorp
Classification: Uncertain significance. Last evaluated: 2020-11-12. Review status: criteria provided, single submitter. Criteria: Invitae Variant Classification Sherloc (09022015). Collection method: clinical testing. Allele origin: germline.
Comment: This sequence change replaces threonine with methionine at codon 1255 of the CARMIL2 protein (p.Thr1255Met). The threonine residue is moderately conserved and there is a moderate physicochemical difference between threonine and methionine. This variant is not present in population databases (ExAC no frequency). This variant has not been reported in the literature in individuals with CARMIL2-related conditions. Algorithms developed to predict the effect of missense changes on protein structure and function are either unavailable or do not agree on the potential impact of this missense change (SIFT: "Tolerated"; PolyPhen-2: "Possibly Damaging"; Align-GVGD: "Class C0"). In summary, the available evidence is currently insufficient to determine the role of this variant in disease. Therefore, it has been classified as a Variant of Uncertain Significance.